The following is an entry in ClinVar:

NM_014314.4(RIGI):c.1652C>T (p.Ala551Val)

Gene: RIGI (RNA sensor RIG-I; minus strand). Cytogenetic location: 9p21.1.
Variant type: single nucleotide variant.
Coding change: c.1652C>T on transcript NM_014314.4 (MANE Select); coding-DNA position 1652, C replaced by T.
Protein change: p.Ala551Val; replaces alanine 551 with valine.
Molecular consequence: missense variant.
Genome position (GRCh38, 1-based): chr9:32,480,341, G>A on the plus strand (C>T on the coding strand, the complement: RIGI is on the minus strand). VCF-style: chr9-32480341-G-A. GRCh37 (hg19) VCF-style: chr9-32480339-G-A.
Other names: c.1646C>T, p.Ala549Val (NM_001385907.1); c.1652C>T, p.Ala551Val (NM_001385909.1); c.1211C>T, p.Ala404Val (NM_001385910.1); c.1043C>T, p.Ala348Val (NM_001385912.1); c.1637C>T, p.Ala546Val (NM_001385913.1); c.1208C>T, p.Ala403Val (NM_001385914.1); short protein forms A551V, A404V, A348V, A403V, A546V, A549V.
Identifiers: ClinVar variation 4769826 (VCV004769826.1).
Genomic context (GRCh38, chr9:32,480,341, plus strand): 5'-AAGAAGTCTTTCAAGTAATCCAGAGCATCTTTCATTCGTGCATGCTCACTGATAATGAGG[G>A]CATCATTATATTTCTGTTGAAAGTAAAAACTGTCTCAATATGCTTCCAATGTCTAACACA-3'
Protein context (NP_055129.2, residues 541-561): YTSHLRKYND[Ala551Val]LIISEHARMK

ClinVar aggregate classification (germline): Uncertain significance (1 of 4 stars; one submission).

gnomAD v4.1: 8 of 1,593,580 alleles (0.0005%); highest among the groups gnomAD compares: East Asian, 0.0022%; no homozygotes.

Submission:

Labcorp Genetics (formerly Invitae), Labcorp
Classification: Uncertain significance. Last evaluated: 2025-12-11. Review status: criteria provided, single submitter. Criteria: Invitae Variant Classification Sherloc (09022015). Collection method: clinical testing. Allele origin: germline.
Comment: This sequence change replaces alanine, which is neutral and non-polar, with valine, which is neutral and non-polar, at codon 551 of the DDX58 protein (p.Ala551Val). This variant is not present in population databases (gnomAD no frequency). This variant has not been reported in the literature in individuals affected with DDX58-related conditions. Invitae Evidence Modeling of protein sequence and biophysical properties (such as structural, functional, and spatial information, amino acid conservation, physicochemical variation, residue mobility, and thermodynamic stability) indicates that this missense variant is expected to disrupt DDX58 protein function with a positive predictive value of 80%. In summary, the available evidence is currently insufficient to determine the role of this variant in disease. Therefore, it has been classified as a Variant of Uncertain Significance.